The following is an entry in ClinVar:

NM_001042413.2(GLIS3):c.1515C>T (p.Ile505=)

Gene: GLIS3 (GLIS family zinc finger 3; minus strand). Cytogenetic location: 9p24.2.
Variant type: single nucleotide variant.
Coding change: c.1515C>T on transcript NM_001042413.2 (MANE Select); coding-DNA position 1515, C replaced by T.
Protein change: p.Ile505=; no amino-acid change (isoleucine 505 retained).
Molecular consequence: synonymous variant.
Genome position (GRCh38, 1-based): chr9:4,117,963, G>A on the plus strand (C>T on the coding strand, the complement: GLIS3 is on the minus strand). VCF-style: chr9-4117963-G-A. GRCh37 (hg19) VCF-style: chr9-4117963-G-A.
Other names: c.1050C>T, p.Ile350= (NM_152629.4).
Identifiers: ClinVar variation 734658 (VCV000734658.9), dbSNP rs752036990, ClinGen allele CA4968166.
Genomic context (GRCh38, chr9:4,117,963, plus strand): 5'-GTGGACCTTCTCGATGTGCCGCACGAGCTCCTCCTGCTGGTCGTACAGGGCGCTGCAGTC[G>A]ATCCAGCGGCAGCAATGCTTGCCCCCGATGCCGTCCATCTCCCCGTCGTCGTCCAGGGTG-3'
Protein context (NP_001035878.1, residues 495-515): GIGGKHCCRW[Ile505=]DCSALYDQQE

ClinVar aggregate classification (germline): Benign/Likely benign. Review status: criteria provided, multiple submitters, no conflicts (2 of 4 stars). 2 submissions from 2 submitters: Benign (1); Likely benign (1). Last evaluated 2026-05-01.

Allele frequency attached by ClinVar (database versions not stated): gnomAD 0.00016; TOPMed 0.00024; ExAC 0.00068.
gnomAD v4.1: 280 of 1,613,704 alleles (0.017%); highest among the groups gnomAD compares: Admixed American, 0.46%; 2 homozygotes.

Submissions (2):

CeGaT Center for Human Genetics Tuebingen
Classification: Likely benign. Last evaluated: 2026-05-01. Review status: criteria provided, single submitter. Criteria: CeGaT Center For Human Genetics Tuebingen Variant Classification Criteria Version 2. Collection method: clinical testing. Allele origin: germline. Affected: yes. Observed: 1 variant allele.
Comment: GLIS3: BP4, BP7

Labcorp Genetics (formerly Invitae), Labcorp
Classification: Benign. Last evaluated: 2026-01-15. Review status: criteria provided, single submitter. Criteria: Invitae Variant Classification Sherloc (09022015). Collection method: clinical testing. Allele origin: germline.